The following is an entry in ClinVar:

ClinVar aggregate classification (germline): Conflicting classifications of pathogenicity. Review status: criteria provided, conflicting classifications (1 of 4 stars). 6 submissions from 6 submitters: Uncertain significance (5); Likely benign (1). Last evaluated 2026-04-08.

Conditions:
TSC2-related disorder. Also called: TSC2-related condition; TSC2-Related Disorders.
Hereditary cancer-predisposing syndrome. Also called: Neoplastic Syndromes, Hereditary; Tumor predisposition; Hereditary Cancer Syndrome; Hereditary neoplastic syndrome. Identifiers: Orphanet 140162, MedGen C0027672, MeSH D009386, MONDO:0015356.
Tuberous sclerosis syndrome (TSC). Also called: Tuberous Sclerosis Complex; Tuberous sclerosis. Identifiers: Orphanet 805, MedGen C0041341, MONDO:0001734.
Tuberous sclerosis 2 (TSC2). Identifiers: Orphanet 805, MedGen C1860707, MONDO:0013199, OMIM 613254.

Allele frequency attached by ClinVar (database versions not stated): gnomAD 0.00001; gnomAD exomes 0.00001 and 0.00002; TOPMed 0.00001.
gnomAD v4.1: 8 of 1,594,812 alleles (0.0005%); highest among the groups gnomAD compares: Admixed American, 0.0017%; no homozygotes.

Submissions (6):

Ambry Genetics
Classification: Uncertain significance for Hereditary cancer-predisposing syndrome. Last evaluated: 2026-04-08. Review status: criteria provided, single submitter. Criteria: Ambry Variant Classification Scheme 2023. Collection method: clinical testing. Allele origin: germline.
Comment: The p.R1129C variant (also known as c.3385C>T), located in coding exon 28 of the TSC2 gene, results from a C to T substitution at nucleotide position 3385. The arginine at codon 1129 is replaced by cysteine, an amino acid with highly dissimilar properties. This variant was detected in 1/347 Chinese patients with clinically suspected tuberous sclerosis complex (TSC) and called a variant of uncertain significance by the authors (Meng Y et al. J Hum Genet, 2021 Mar;66:227-236). This amino acid position is highly conserved in available vertebrate species. In addition, this alteration is predicted to be deleterious by in silico analysis. Since supporting evidence is limited at this time, the clinical significance of this alteration remains unclear.

PreventionGenetics, part of Exact Sciences
Classification: Uncertain significance for TSC2-related condition. Last evaluated: 2026-03-09. Review status: criteria provided, single submitter. Criteria: ACMG Guidelines, 2015. Collection method: clinical testing. Allele origin: germline.
Comment: The TSC2 c.3385C>T variant is predicted to result in the amino acid substitution p.Arg1129Cys. This variant has been reported in an individual with cortical dysplasia and tuberous sclerosis complex-associated neuropsychiatric disorder (Table S1, ID: NP15D2345, Meng et al. 2021. PubMed ID: 32917966). This variant is reported in 0.011% of alleles in individuals of Ashkenazi Jewish descent in gnomAD and has conflicting interpretations of likely benign and uncertain significance in ClinVar (Variation ID: 406032). Although we suspect that this variant may be benign, at this time, the clinical significance of this variant is uncertain due to the absence of conclusive functional and genetic evidence.

Labcorp Genetics (formerly Invitae), Labcorp
Classification: Likely benign for Tuberous sclerosis 2. Last evaluated: 2026-01-20. Review status: criteria provided, single submitter. Criteria: Invitae Variant Classification Sherloc (09022015). Collection method: clinical testing. Allele origin: germline.

Color Diagnostics, LLC DBA Color Health
Classification: Uncertain significance for Tuberous sclerosis syndrome. Last evaluated: 2025-08-28. Review status: criteria provided, single submitter. Criteria: ACMG Guidelines, 2015. Collection method: clinical testing. Allele origin: germline.
Comment: This missense variant replaces arginine with cysteine at codon 1129 of the TSC2 protein. Computational prediction suggests that this variant may have deleterious impact on protein structure and function. To our knowledge, functional studies have not been reported for this variant. This variant has been reported in an individual suspected of tuberous sclerosis complex (PMID: 32917966). This variant has been identified in 4/212436 chromosomes in the general population by the Genome Aggregation Database (gnomAD). The available evidence is insufficient to determine the role of this variant in disease conclusively. Therefore, this variant is classified as a Variant of Uncertain Significance.

Women's Health and Genetics/Laboratory Corporation of America, LabCorp
Classification: Uncertain significance. Last evaluated: 2024-11-11. Review status: criteria provided, single submitter. Criteria: LabCorp Variant Classification Summary - May 2015. Collection method: clinical testing. Allele origin: germline.
Comment: Variant summary: TSC2 c.3385C>T (p.Arg1129Cys) results in a non-conservative amino acid change in the encoded protein sequence. Five of five in-silico tools predict a damaging effect of the variant on protein function. The variant allele was found at a frequency of 1.9e-05 in 212436 control chromosomes. The available data on variant occurrences in the general population are insufficient to allow any conclusion about variant significance. c.3385C>T has been reported in the literature in at least one individual affected with Tuberous Sclerosis Complex (e.g., Meng_2021). This report does not provide unequivocal conclusions about association of the variant with Tuberous Sclerosis Complex. To our knowledge, no experimental evidence demonstrating an impact on protein function has been reported. The following publication has been ascertained in the context of this evaluation (PMID: 32917966). ClinVar contains an entry for this variant (Variation ID: 406032). Based on the evidence outlined above, the variant was classified as uncertain significance.

All of Us Research Program, National Institutes of Health
Classification: Uncertain significance for Tuberous sclerosis syndrome. Last evaluated: 2024-06-09. Review status: criteria provided, single submitter. Criteria: ACMG Guidelines, 2015. Collection method: clinical testing. Allele origin: germline. Inheritance: Autosomal dominant inheritance. Observed: 2 variant alleles, 2 heterozygotes.
Comment: This missense variant replaces arginine with cysteine at codon 1129 of the TSC2 protein. Computational prediction suggests that this variant may have deleterious impact on protein structure and function (internally defined REVEL score threshold >= 0.7, PMID: 27666373). To our knowledge, functional studies have not been reported for this variant. This variant has been reported in an individual affected with clinically suspected tuberous sclerosis complex (PMID: 32917966). This variant has been identified in 4/212436 chromosomes in the general population by the Genome Aggregation Database (gnomAD). The available evidence is insufficient to determine the role of this variant in disease conclusively. Therefore, this variant is classified as a Variant of Uncertain Significance.

This study involves interpretation of variants in research participants for the purpose of population health screening. Participant phenotype was not available at the time of variant classification. Additional details can be found in publication PMID: 35346344, PMCID: PMC8962531

Literature cited by the submitters: PubMed 32917966 (cited by 4 submitters).

NM_000548.5(TSC2):c.3385C>T (p.Arg1129Cys)

Gene: TSC2 (TSC complex subunit 2; plus strand). Cytogenetic location: 16p13.3.
Variant type: single nucleotide variant.
Coding change: c.3385C>T on transcript NM_000548.5 (MANE Select); coding-DNA position 3385, C replaced by T.
Protein change: p.Arg1129Cys; replaces arginine 1129 with cysteine.
Molecular consequence: missense variant.
Genome position (GRCh38, 1-based): chr16:2,079,657, C>T. VCF-style: chr16-2079657-C-T. GRCh37 (hg19) VCF-style: chr16-2129658-C-T.
Other names: c.3385C>T (NM_000548.4); c.3253C>T, p.Arg1085Cys (NM_001077183.3, NM_001370404.1); c.3385C>T, p.Arg1129Cys (NM_001114382.3); c.3145C>T, p.Arg1049Cys (NM_001318827.2); c.3109C>T, p.Arg1037Cys (NM_001318829.2); c.2653C>T, p.Arg885Cys (NM_001318831.2); c.3286C>T, p.Arg1096Cys (NM_001318832.2); c.3256C>T, p.Arg1086Cys (NM_001363528.2, NM_001370405.1, NM_021055.3); short protein forms R1129C, R1085C, R1086C, R1096C, R1037C, R1049C, R885C.
Identifiers: ClinVar variation 406032 (VCV000406032.21), dbSNP rs1028039505, ClinGen allele CA16615117.